The following is an entry in ClinVar:

ClinVar aggregate classification (germline): Uncertain significance (1 of 4 stars; one submission).

Allele frequency attached by ClinVar (database versions not stated): gnomAD exomes below 0.00001; gnomAD 0.00001; ESP Exome Variant Server 0.00008.
gnomAD v4.1: 3 of 1,613,956 alleles (0.00019%); highest among the groups gnomAD compares: African/African-American, 0.0013%; no homozygotes.

Submission:

Labcorp Genetics (formerly Invitae), Labcorp
Classification: Uncertain significance. Last evaluated: 2022-06-20. Review status: criteria provided, single submitter. Criteria: Invitae Variant Classification Sherloc (09022015). Collection method: clinical testing. Allele origin: germline.
Comment: This sequence change replaces aspartic acid, which is acidic and polar, with asparagine, which is neutral and polar, at codon 1008 of the VCAN protein (p.Asp1008Asn). This variant is not present in population databases (gnomAD no frequency). This variant has not been reported in the literature in individuals affected with VCAN-related conditions. ClinVar contains an entry for this variant (Variation ID: 1047737). Algorithms developed to predict the effect of missense changes on protein structure and function output the following: SIFT: "Tolerated"; PolyPhen-2: "Benign"; Align-GVGD: "Class C0". The asparagine amino acid residue is found in multiple mammalian species, which suggests that this missense change does not adversely affect protein function. In summary, the available evidence is currently insufficient to determine the role of this variant in disease. Therefore, it has been classified as a Variant of Uncertain Significance.

NM_004385.5(VCAN):c.3022G>A (p.Asp1008Asn)

Gene: VCAN (versican; plus strand). Cytogenetic location: 5q14.3.
Variant type: single nucleotide variant.
Coding change: c.3022G>A on transcript NM_004385.5 (MANE Select); coding-DNA position 3022, G replaced by A.
Protein change: p.Asp1008Asn; replaces aspartic acid 1008 with asparagine.
Molecular consequence: missense variant. On other transcripts: intron variant (2).
Genome position (GRCh38, 1-based): chr5:83,521,328, G>A. VCF-style: chr5-83521328-G-A. GRCh37 (hg19) VCF-style: chr5-82817147-G-A.
Other names: c.3022G>A, p.Asp1008Asn (NM_001164098.2); c.1042+8932G>A (NM_001164097.2, NM_001126336.3); short protein forms D1008N.
Identifiers: ClinVar variation 1047737 (VCV001047737.8), dbSNP rs145963743, ClinGen allele CA121793133.